The following is an entry in ClinVar:

ClinVar aggregate classification (germline): Benign/Likely benign. Review status: criteria provided, multiple submitters, no conflicts (2 of 4 stars). 6 submissions from 5 submitters: Benign (3); Likely benign (2). 1 of the submissions does not count toward it. Last evaluated 2026-01-26.

Conditions:
WWOX-related disorder. Also called: WWOX-related condition.
Autosomal recessive spinocerebellar ataxia 12. Also called: SPINOCEREBELLAR ATAXIA WITH MENTAL RETARDATION AND EPILEPSY. Identifiers: Orphanet 284282, MedGen C3280452, MONDO:0013687, OMIM 614322.
Developmental and epileptic encephalopathy, 1 (DEE1). Also called: X-linked infantile spasms; West's syndrome; Tonic spasms with clustering, arrest of psychomotor development and hypsarrhythmia on EEG; X-Linked Infantile Spasm Syndrome; Epileptic encephalopathy, early infantile, 1; OHTAHARA SYNDROME, X-LINKED. Identifiers: MedGen C3463992, MONDO:0010632, OMIM 308350. Disease mechanism: loss of function.
Developmental and epileptic encephalopathy, 28 (DEE28). Also called: Epileptic encephalopathy, early infantile, 28. Identifiers: Orphanet 442835, MedGen C4015519, MONDO:0014533, OMIM 616211.

Allele frequency attached by ClinVar (database versions not stated): TOPMed 0.00001; 1000 Genomes Project 0.00100; 1000 Genomes Project 30x 0.00109.
gnomAD v4.1: 427 of 1,614,104 alleles (0.026%); highest among the groups gnomAD compares: South Asian, 0.45%; 3 homozygotes.

Submissions (6):

Labcorp Genetics (formerly Invitae), Labcorp
Classification: Benign for Developmental and epileptic encephalopathy, 1; Autosomal recessive spinocerebellar ataxia 12. Last evaluated: 2026-01-26. Review status: criteria provided, single submitter. Criteria: Invitae Variant Classification Sherloc (09022015). Collection method: clinical testing. Allele origin: germline.

CeGaT Center for Human Genetics Tuebingen
Classification: Likely benign. Last evaluated: 2025-11-01. Review status: criteria provided, single submitter. Criteria: CeGaT Center For Human Genetics Tuebingen Variant Classification Criteria Version 2. Collection method: clinical testing. Allele origin: germline. Affected: yes. Observed: 2 variant alleles.
Comment: WWOX: BP4, BP7

Genome-Nilou Lab
Classification: Benign for Developmental and epileptic encephalopathy, 28. Last evaluated: 2021-12-05. Review status: criteria provided, single submitter. Criteria: ACMG Guidelines, 2015. Collection method: clinical testing. Allele origin: germline. Affected: no.

Genome-Nilou Lab
Classification: Benign for Autosomal recessive spinocerebellar ataxia 12. Last evaluated: 2021-12-05. Review status: criteria provided, single submitter. Criteria: ACMG Guidelines, 2015. Collection method: clinical testing. Allele origin: germline. Affected: no.

GeneDx
Classification: Likely benign. Last evaluated: 2019-07-08. Review status: criteria provided, single submitter. Criteria: GeneDx Variant Classification Process June 2021. Collection method: clinical testing. Allele origin: germline. Affected: yes.

PreventionGenetics, part of Exact Sciences
Classification: Likely benign for WWOX-related condition. Last evaluated: 2019-09-25. Review status: no assertion criteria provided. Collection method: clinical testing. Allele origin: germline. Not counted in ClinVar's aggregate classification.
Comment: This variant is classified as likely benign based on ACMG/AMP sequence variant interpretation guidelines (Richards et al. 2015 PMID: 25741868, with internal and published modifications).

NM_016373.4(WWOX):c.747C>G (p.Arg249=)

Gene: WWOX (WW domain containing oxidoreductase; plus strand). Cytogenetic location: 16q23.1.
Variant type: single nucleotide variant.
Coding change: c.747C>G on transcript NM_016373.4 (MANE Select); coding-DNA position 747, C replaced by G.
Protein change: p.Arg249=; no amino-acid change (arginine 249 retained).
Molecular consequence: synonymous variant.
Genome position (GRCh38, 1-based): chr16:78,425,011, C>G. VCF-style: chr16-78425011-C-G. GRCh37 (hg19) VCF-style: chr16-78458908-C-G.
Other names: c.408C>G, p.Arg136= (NM_001291997.2).
Identifiers: ClinVar variation 512975 (VCV000512975.40), dbSNP rs375934868, ClinGen allele CA8183442.
Genomic context (GRCh38, chr16:78,425,011, plus strand): 5'-TCAAGTGAATCATCTGGGGCACTTCTACCTTGTCCAGCTCCTCCAGGATGTTTTGTGCCG[C>G]TCAGCTCCTGCCCGTGTCATTGTGGTCTCCTCAGAGTCCCATCGGTGGGTTTGAATTGCA-3'
Protein context (NP_057457.1, residues 239-259): LVQLLQDVLC[Arg249=]SAPARVIVVS